The following is an entry in ClinVar:

NM_000503.6(EYA1):c.1286A>G (p.Asp429Gly)

Gene: EYA1 (EYA transcriptional coactivator and phosphatase 1; minus strand). Cytogenetic location: 8q13.3.
Variant type: single nucleotide variant.
Coding change: c.1286A>G on transcript NM_000503.6 (MANE Select); coding-DNA position 1286, A replaced by G.
Protein change: p.Asp429Gly; replaces aspartic acid 429 with glycine.
Molecular consequence: missense variant.
Genome position (GRCh38, 1-based): chr8:71,216,766, T>C on the plus strand (A>G on the coding strand, the complement: EYA1 is on the minus strand). VCF-style: chr8-71216766-T-C. GRCh37 (hg19) VCF-style: chr8-72129001-T-C.
Other names: c.1268A>G, p.Asp423Gly (NM_001288574.2, NM_172059.5); c.920A>G, p.Asp307Gly (NM_001288575.2); c.1373A>G, p.Asp458Gly (NM_001370333.1); c.1286A>G, p.Asp429Gly (NM_001370334.1, NM_001370335.1, NM_172058.4); c.1265A>G, p.Asp422Gly (NM_001370336.1); c.1187A>G, p.Asp396Gly (NM_001411797.1, NM_172060.4); short protein forms D307G, D396G, D422G, D423G, D429G, D458G.
Identifiers: ClinVar variation 3383944 (VCV003383944.1).
Genomic context (GRCh38, chr8:71,216,766, plus strand): 5'-TTGTAGGTGTTGTAGATCTCTTTTACCCGTCTGTAGCGGAAGGCCAACTTTCTCATCCAG[T>C]CCACACCGCCCCGTACACCAGTTGCCAAACATAAGTTAGCACTGGTTGCTGCAGCAGGAA-3'
Protein context (NP_000494.2, residues 419-439): CLATGVRGGV[Asp429Gly]WMRKLAFRYR

ClinVar aggregate classification (germline): Likely pathogenic (0 of 4 stars; one submission).

Conditions:
Branchiootic syndrome 1 (BOS1). Also called: BO SYNDROME 1; BRANCHIOOTIC DYSPLASIA. Identifiers: MedGen C1865143, MONDO:0011258, OMIM 602588.

Submission:

Wonkam Laboratory, Johns Hopkins University
Classification: Likely pathogenic for Branchiootic syndrome 1. Last evaluated: 2024-01-06. Review status: no assertion criteria provided. Collection method: research. Allele origin: maternal. Inheritance: Autosomal dominant inheritance. Affected: yes. Observed: 8 variant alleles. Clinical features observed: Mixed type hearing loss, preauricular sinus, cervical fistulae.
Comment: The variant NM_001370335.1 c.1286A>G is located in a mutational hot spot and/or critical and well-established functional domain of EYA1 (PM1), Absent from controls (or at extremely low frequency if recessive) in Exome Sequencing Project, 1000 Genomes Project, or Exome Aggregation Consortium (PM2), Cosegregation with disease in multiple affected family members in a gene definitively known to cause the disease (PP1), Multiple lines of computational evidence support a deleterious effect on the gene or gene product (PP3), Patient's phenotype or family history is highly specific for a disease with a single genetic etiology (PP4). This variant was only found in affected individuals from a large family with Branchiootic syndrome

Literature cited by the submitters: PubMed 35698919.